The following is an entry in ClinVar:

ClinVar aggregate classification (germline): Likely benign (1 of 4 stars; one submission).

Allele frequency attached by ClinVar (database versions not stated): TOPMed 0.00002; gnomAD exomes below 0.00001; gnomAD 0.00002.
gnomAD v4.1: 5 of 1,613,722 alleles (0.00031%); highest among the groups gnomAD compares: African/African-American, 0.004%; no homozygotes.

Submission:

GeneDx
Classification: Likely benign. Last evaluated: 2018-05-17. Review status: criteria provided, single submitter. Criteria: GeneDx Variant Classification (06012015). Collection method: clinical testing. Allele origin: germline. Affected: yes.
Comment: This variant is considered likely benign or benign based on one or more of the following criteria: it is a conservative change, it occurs at a poorly conserved position in the protein, it is predicted to be benign by multiple in silico algorithms, and/or has population frequency not consistent with disease.

NM_005216.5(DDOST):c.195C>T (p.Pro65=)

Gene: DDOST (dolichyl-diphosphooligosaccharide--protein glycosyltransferase non-catalytic subunit; minus strand). Cytogenetic location: 1p36.12.
Variant type: single nucleotide variant.
Coding change: c.195C>T on transcript NM_005216.5 (MANE Select); coding-DNA position 195, C replaced by T.
Protein change: p.Pro65=; no amino-acid change (proline 65 retained).
Molecular consequence: synonymous variant.
Genome position (GRCh38, 1-based): chr1:20,660,951, G>A on the plus strand (C>T on the coding strand, the complement: DDOST is on the minus strand). VCF-style: chr1-20660951-G-A. GRCh37 (hg19) VCF-style: chr1-20987444-G-A.
Identifiers: ClinVar variation 682543 (VCV000682543.1), dbSNP rs1473355052, ClinGen allele CA416508413.